The following is an entry in ClinVar:

ClinVar aggregate classification (germline): Uncertain significance. Review status: criteria provided, multiple submitters, no conflicts (2 of 4 stars). 2 submissions from 2 submitters: Uncertain significance (2). Last evaluated 2023-04-22.

Conditions:
Intellectual developmental disorder, autosomal dominant 6, with or without seizures. Also called: Intellectual disability, autosomal dominant 6; GRIN2B-related developmental delay, intellectual disability and autism spectrum disorder. Identifiers: Orphanet 589547, MedGen C3151411, MONDO:0013509, OMIM 613970.
Developmental and epileptic encephalopathy, 27 (DEE27). Also called: GRIN2B-Related Neurodevelopmental Disorder; Epileptic encephalopathy, early infantile, 27. Identifiers: Orphanet 3451, MedGen C4015316, MONDO:0014505, OMIM 616139.

Submissions (2):

Labcorp Genetics (formerly Invitae), Labcorp
Classification: Uncertain significance for Developmental and epileptic encephalopathy, 27; Intellectual developmental disorder, autosomal dominant 6, with or without seizures. Last evaluated: 2023-04-22. Review status: criteria provided, single submitter. Criteria: Invitae Variant Classification Sherloc (09022015). Collection method: clinical testing. Allele origin: germline.
Comment: In summary, the available evidence is currently insufficient to determine the role of this variant in disease. Therefore, it has been classified as a Variant of Uncertain Significance. This sequence change replaces serine, which is neutral and polar, with alanine, which is neutral and non-polar, at codon 22 of the GRIN2B protein (p.Ser22Ala). Information on the frequency of this variant in the gnomAD database is not available, as this variant may be reported differently in the database. This variant has not been reported in the literature in individuals affected with GRIN2B-related conditions. ClinVar contains an entry for this variant (Variation ID: 1312242). Experimental studies and prediction algorithms are not available or were not evaluated, and the functional significance of this variant is currently unknown.

GeneDx
Classification: Uncertain significance. Last evaluated: 2019-09-11. Review status: criteria provided, single submitter. Criteria: GeneDx Variant Classification Process June 2021. Collection method: clinical testing. Allele origin: germline. Affected: yes.
Comment: Not observed in large population cohorts (Lek et al., 2016); In silico analysis, which includes protein predictors and evolutionary conservation, supports that this variant does not alter protein structure/function; Has not been previously published as pathogenic or benign to our knowledge

NM_000834.5(GRIN2B):c.63_64delinsTG (p.Ser22Ala)

Gene: GRIN2B (glutamate ionotropic receptor NMDA type subunit 2B; minus strand). Cytogenetic location: 12p13.1.
Variant type: Indel.
Coding change: c.63_64delinsTG on transcript NM_000834.5 (MANE Select); coding-DNA positions 63 to 64, GT replaced by TG.
Protein change: p.Ser22Ala; replaces serine 22 with alanine.
Molecular consequence: missense variant.
Genome position (GRCh38, 1-based): chr12:13,866,145-13,866,146, AC replaced by CA on the plus strand (GT replaced by TG on the coding strand, the reverse complement: GRIN2B is on the minus strand). VCF-style: chr12-13866145-AC-CA. GRCh37 (hg19) VCF-style: chr12-14019079-AC-CA.
Other names: short protein forms S22A.
Identifiers: ClinVar variation 1312242 (VCV001312242.5), dbSNP rs2136747439, ClinGen allele CA2573053638.